The following is an entry in ClinVar:

NM_006267.5(RANBP2):c.1714C>T (p.Pro572Ser)

Gene: RANBP2 (RAN binding protein 2; plus strand). Cytogenetic location: 2q13.
Variant type: single nucleotide variant.
Coding change: c.1714C>T on transcript NM_006267.5 (MANE Select); coding-DNA position 1714, C replaced by T.
Protein change: p.Pro572Ser; replaces proline 572 with serine.
Molecular consequence: missense variant.
Genome position (GRCh38, 1-based): chr2:108,751,953, C>T. VCF-style: chr2-108751953-C-T. GRCh37 (hg19) VCF-style: chr2-109368409-C-T.
Other names: short protein forms P572S.
Identifiers: ClinVar variation 1481803 (VCV001481803.7), dbSNP rs772325084, ClinGen allele CA1822411.

ClinVar aggregate classification (germline): Uncertain significance (1 of 4 stars; one submission).

Conditions:
Familial acute necrotizing encephalopathy (IIAE3). Also called: ENCEPHALOPATHY, ACUTE, INFECTION-INDUCED, SUSCEPTIBILITY TO, 3; Susceptibility to Acute Necrotizing Encephalopathy 1. Identifiers: Orphanet 88619, MedGen C2675556, MONDO:0011953, OMIM 608033.

Allele frequency attached by ClinVar (database versions not stated): gnomAD exomes below 0.00001; ExAC 0.00001.
gnomAD v4.1: 1 of 1,611,940 alleles (0.000062%); highest among the groups gnomAD compares: South Asian, 0.0011%; no homozygotes.

Submission:

Labcorp Genetics (formerly Invitae), Labcorp
Classification: Uncertain significance for Familial acute necrotizing encephalopathy. Last evaluated: 2025-10-06. Review status: criteria provided, single submitter. Criteria: Invitae Variant Classification Sherloc (09022015). Collection method: clinical testing. Allele origin: germline.
Comment: This sequence change replaces proline, which is neutral and non-polar, with serine, which is neutral and polar, at codon 572 of the RANBP2 protein (p.Pro572Ser). This variant is present in population databases (rs772325084, gnomAD 0.003%). This variant has not been reported in the literature in individuals affected with RANBP2-related conditions. ClinVar contains an entry for this variant (Variation ID: 1481803). An algorithm developed to predict the effect of missense changes on protein structure and function (PolyPhen-2) suggests that this variant is likely to be tolerated. In summary, the available evidence is currently insufficient to determine the role of this variant in disease. Therefore, it has been classified as a Variant of Uncertain Significance.